The following is an entry in ClinVar:

NM_001083603.3(PTCH1):c.1A>C (p.Met1Leu)

Gene: PTCH1 (patched 1; minus strand). Cytogenetic location: 9q22.32.
Variant type: single nucleotide variant.
Coding change: c.1A>C on transcript NM_001083603.3 (MANE Plus Clinical); coding-DNA position 1, A replaced by C.
Protein change: p.Met1Leu; changes the start codon (methionine 1).
Molecular consequence: missense variant, initiator codon variant. On other transcripts: 5 prime UTR variant (2).
Genome position (GRCh38, 1-based): chr9:95,516,820, T>G on the plus strand (A>C on the coding strand, the complement: PTCH1 is on the minus strand). VCF-style: chr9-95516820-T-G. GRCh37 (hg19) VCF-style: chr9-98279102-T-G.
Other names: c.-349A>C (NM_001083602.3, NM_001354919.2); short protein forms M1L.
Identifiers: ClinVar variation 3352257 (VCV003352257.1).
Genomic context (GRCh38, chr9:95,516,820, plus strand): 5'-CTTTCGGCGGAGTGCAGCGCGGACTCACAATTACAAGCCTGTTTCTATTAAGCAGTTCCA[T>G]GGCCCTCGGCGTGGGTGGTCTGCCGCGCCATAGGCAGGACCTGTCAGGGTCACGTGACGG-3'
Protein context (NP_001077072.1, residues 1-11): [Met1Leu]ELLNRNRLVI

ClinVar aggregate classification (germline): Likely benign (0 of 4 stars; one submission).

Conditions:
PTCH1-related disorder. Also called: PTCH1-related disorders; PTCH1-related condition.

gnomAD v4.1: 7 of 1,600,458 alleles (0.00044%); highest among the groups gnomAD compares: Non-Finnish European, 0.0006%; no homozygotes.

Submission:

PreventionGenetics, part of Exact Sciences
Classification: Likely benign for PTCH1-related condition. Last evaluated: 2024-07-15. Review status: no assertion criteria provided. Collection method: clinical testing. Allele origin: germline.
Comment: This variant is classified as likely benign based on ACMG/AMP sequence variant interpretation guidelines (Richards et al. 2015 PMID: 25741868, with internal and published modifications).